The following is an entry in ClinVar:

ClinVar aggregate classification (germline): Uncertain significance (0 of 4 stars; one submission).

Conditions:
PLXNA1-related disorder. Also called: PLXNA1-related condition.

gnomAD v4.1: 23 of 1,605,846 alleles (0.0014%); highest among the groups gnomAD compares: Middle Eastern, 0.017%; no homozygotes.

Submission:

PreventionGenetics, part of Exact Sciences
Classification: Uncertain significance for PLXNA1-related condition. Last evaluated: 2024-08-19. Review status: no assertion criteria provided. Collection method: clinical testing. Allele origin: germline.
Comment: The PLXNA1 c.5638C>T variant is predicted to result in the amino acid substitution p.Arg1880Trp. This variant has been reported de novo in at least one individual with developmental disorder (Table S1, Kaplanis et al. 2020. PubMed ID: 33057194; Supplementary Data 3, Zhou et al. 2022. PubMed ID: 35982159). This variant has not been reported in a large population database, indicating this variant is rare. At this time, the clinical significance of this variant is uncertain due to the absence of conclusive functional and genetic evidence.

NM_032242.4(PLXNA1):c.5638C>T (p.Arg1880Trp)

Gene: PLXNA1 (plexin A1; plus strand). Cytogenetic location: 3q21.3.
Variant type: single nucleotide variant.
Coding change: c.5638C>T on transcript NM_032242.4 (MANE Select); coding-DNA position 5638, C replaced by T.
Protein change: p.Arg1880Trp; replaces arginine 1880 with tryptophan.
Molecular consequence: missense variant.
Genome position (GRCh38, 1-based): chr3:127,033,964, C>T. VCF-style: chr3-127033964-C-T. GRCh37 (hg19) VCF-style: chr3-126752807-C-T.
Other names: short protein forms R1880W.
Identifiers: ClinVar variation 3352383 (VCV003352383.1).